The following is an entry in ClinVar:

ClinVar aggregate classification (germline): Conflicting classifications of pathogenicity. Review status: criteria provided, conflicting classifications (1 of 4 stars). 2 submissions from 2 submitters: Likely pathogenic (1); Uncertain significance (1). Last evaluated 2023-05-05.

Conditions:
Branchiootic syndrome 3 (BOS3). Also called: BO SYNDROME 3. Identifiers: MedGen C1842124, MONDO:0012025, OMIM 608389.
Autosomal dominant nonsyndromic hearing loss 23. Identifiers: Orphanet 90635, MedGen C1854594, MONDO:0011519, OMIM 605192.

Allele frequency attached by ClinVar (database versions not stated): gnomAD exomes below 0.00001.

Submissions (2):

Laboratory of Otorhinolaryngology, Head and Neck Surgery, Seoul National University Hospital
Classification: Likely pathogenic for Branchiootic syndrome 3. Last evaluated: 2023-05-05. Review status: criteria provided, single submitter. Criteria: ACMG AMP Guidelines. Collection method: clinical testing. Allele origin: germline. Affected: yes.

3billion
Classification: Uncertain significance for Autosomal dominant nonsyndromic hearing loss 23. Last evaluated: 2022-05-22. Review status: criteria provided, single submitter. Criteria: ACMG Guidelines, 2015. Collection method: clinical testing. Allele origin: germline. Affected: yes. Observed: 1 heterozygote.
Comment: The variant is not observed in the gnomAD v2.1.1 dataset. Missense changes are a common disease-causing mechanism. In silico tool predictions suggest damaging effect of the variant on gene or gene product (REVEL: 0.92; 3Cnet: 0.98). Therefore, this variant is classified as uncertain significanceaccording to the recommendation of ACMG/AMP guideline.

NM_005982.4(SIX1):c.501G>C (p.Gln167His)

Genes: SIX1 (SIX homeobox 1; minus strand), MIR9718 (microRNA 9718; plus strand). Cytogenetic location: 14q23.1.
Variant type: single nucleotide variant.
Coding change: c.501G>C on transcript NM_005982.4 (MANE Select); coding-DNA position 501, G replaced by C.
Protein change: p.Gln167His; replaces glutamine 167 with histidine.
Molecular consequence: missense variant. On other transcripts: non-coding transcript variant (1).
Genome position (GRCh38, 1-based): chr14:60,648,689, C>G on the plus strand (G>C on the coding strand, the complement: SIX1 is on the minus strand). VCF-style: chr14-60648689-C-G. GRCh37 (hg19) VCF-style: chr14-61115407-C-G.
Other names: short protein forms Q167H.
Identifiers: ClinVar variation 1687607 (VCV001687607.3), dbSNP rs2140241012, ClinGen allele CA389910183.
Genomic context (GRCh38, chr14:60,648,689, plus strand): 5'-CCTTTCCTTGGCCTCCGCGGCCCGGTCTCTTTGCCTCCGGTTCTTAAACCAGTTGCTGAC[C>G]TGGGTGGTGGTGAGGCCGGTGGCCTCGGCCAGCTCCCGCTTCTCACGCGGCGATGGGTAG-3'
Protein context (NP_005973.1, residues 157-177): LAEATGLTTT[Gln167His]VSNWFKNRRQ